The following is an entry in ClinVar:

ClinVar aggregate classification (germline): Uncertain significance (1 of 4 stars; one submission).

Allele frequency attached by ClinVar (database versions not stated): gnomAD exomes below 0.00001 and 0.00001; ExAC 0.00001.
gnomAD v4.1: 4 of 1,614,152 alleles (0.00025%); highest among the groups gnomAD compares: Admixed American, 0.0033%; no homozygotes.

Submission:

Labcorp Genetics (formerly Invitae), Labcorp
Classification: Uncertain significance. Last evaluated: 2022-07-30. Review status: criteria provided, single submitter. Criteria: Invitae Variant Classification Sherloc (09022015). Collection method: clinical testing. Allele origin: germline.
Comment: This sequence change replaces serine, which is neutral and polar, with arginine, which is basic and polar, at codon 3557 of the ANK3 protein (p.Ser3557Arg). This variant is present in population databases (rs757526141, gnomAD 0.006%). This variant has not been reported in the literature in individuals affected with ANK3-related conditions. ClinVar contains an entry for this variant (Variation ID: 1499235). Algorithms developed to predict the effect of missense changes on protein structure and function are either unavailable or do not agree on the potential impact of this missense change (SIFT: "Not Available"; PolyPhen-2: "Benign"; Align-GVGD: "Not Available"). In summary, the available evidence is currently insufficient to determine the role of this variant in disease. Therefore, it has been classified as a Variant of Uncertain Significance.

NM_020987.5(ANK3):c.10669A>C (p.Ser3557Arg)

Gene: ANK3 (ankyrin 3; minus strand). Cytogenetic location: 10q21.2.
Variant type: single nucleotide variant.
Coding change: c.10669A>C on transcript NM_020987.5 (MANE Select); coding-DNA position 10669, A replaced by C.
Protein change: p.Ser3557Arg; replaces serine 3557 with arginine.
Molecular consequence: missense variant. On other transcripts: intron variant (4).
Genome position (GRCh38, 1-based): chr10:60,070,212, T>G on the plus strand (A>C on the coding strand, the complement: ANK3 is on the minus strand). VCF-style: chr10-60070212-T-G. GRCh37 (hg19) VCF-style: chr10-61829970-T-G.
Other names: c.4388-2203A>C (NM_001204403.2); c.4409-2203A>C (NM_001204404.2); c.4406-2203A>C (NM_001320874.2); c.1808-2203A>C (NM_001149.4); short protein forms S3557R.
Identifiers: ClinVar variation 1499235 (VCV001499235.3), dbSNP rs757526141, ClinGen allele CA5511217.